The following is an entry in ClinVar:

NM_000135.4(FANCA):c.3580C>T (p.Pro1194Ser)

Gene: FANCA (FA complementation group A; minus strand). Cytogenetic location: 16q24.3.
Variant type: single nucleotide variant.
Coding change: c.3580C>T on transcript NM_000135.4 (MANE Select); coding-DNA position 3580, C replaced by T.
Protein change: p.Pro1194Ser; replaces proline 1194 with serine.
Molecular consequence: missense variant.
Genome position (GRCh38, 1-based): chr16:89,745,005, G>A on the plus strand (C>T on the coding strand, the complement: FANCA is on the minus strand). VCF-style: chr16-89745005-G-A. GRCh37 (hg19) VCF-style: chr16-89811413-G-A.
Other names: c.3580C>T, p.Pro1194Ser (NM_001286167.3); short protein forms P1194S.
Identifiers: ClinVar variation 1023309 (VCV001023309.9), dbSNP rs1415910337, ClinGen allele CA397485661.

ClinVar aggregate classification (germline): Uncertain significance. Review status: criteria provided, single submitter (1 of 4 stars). 2 submissions from 2 submitters: Uncertain significance (1). 1 of the submissions does not count toward it. Last evaluated 2021-08-31.

Conditions:
Fanconi anemia (FA). Also called: Fanconi's anemia. Identifiers: Orphanet 84, MedGen C0015625, MeSH D005199, MONDO:0019391.

Allele frequency attached by ClinVar (database versions not stated): gnomAD exomes below 0.00001.
gnomAD v4.1: 9 of 1,611,154 alleles (0.00056%); highest among the groups gnomAD compares: East Asian, 0.0022%; no homozygotes.

Submissions (2):

Labcorp Genetics (formerly Invitae), Labcorp
Classification: Uncertain significance for Fanconi anemia. Last evaluated: 2021-08-31. Review status: criteria provided, single submitter. Criteria: Invitae Variant Classification Sherloc (09022015). Collection method: clinical testing. Allele origin: germline.
Comment: This sequence change replaces proline with serine at codon 1194 of the FANCA protein (p.Pro1194Ser). The proline residue is highly conserved and there is a moderate physicochemical difference between proline and serine. This variant is not present in population databases (ExAC no frequency). This variant has not been reported in the literature in individuals affected with FANCA-related conditions. Algorithms developed to predict the effect of missense changes on protein structure and function (SIFT, PolyPhen-2, Align-GVGD) all suggest that this variant is likely to be disruptive. In summary, the available evidence is currently insufficient to determine the role of this variant in disease. Therefore, it has been classified as a Variant of Uncertain Significance.

Natera, Inc.
Classification: Uncertain significance for Fanconi anemia. Last evaluated: 2021-04-06. Review status: no assertion criteria provided. Collection method: clinical testing. Allele origin: germline. Not counted in ClinVar's aggregate classification.